The following is an entry in ClinVar:

ClinVar aggregate classification (germline): Pathogenic. Review status: criteria provided, multiple submitters, no conflicts (2 of 4 stars). 5 submissions from 5 submitters: Pathogenic (4). 1 of the submissions does not count toward it. Last evaluated 2025-11-20.

Conditions:
Epidermolysis bullosa simplex 1A, generalized severe (EBS1A). Also called: Epidermolysis bullosa simplex Dowling-Meara type. Identifiers: Orphanet 79396, MedGen C0079295, MONDO:0007550, OMIM 131760.
Epidermolysis bullosa simplex 1D, generalized, intermediate or severe, autosomal recessive. Identifiers: Orphanet 89838, MedGen C3715082, MONDO:0010976, OMIM 601001.

Allele frequency attached by ClinVar (database versions not stated): gnomAD exomes below 0.00001.

Submissions (5):

3billion
Classification: Pathogenic for Epidermolysis bullosa simplex 1D, generalized, intermediate or severe, autosomal recessive. Last evaluated: 2025-11-20. Review status: criteria provided, single submitter. Criteria: ACMG Guidelines, 2015. Collection method: clinical testing. Allele origin: germline. Affected: yes.
Comment: The variant is observed at an extremely low frequency in the gnomAD v4.1.0 dataset (total allele frequency: <0.001%). Predicted Consequence/Location: Stop-gained (nonsense): predicted to result in a loss or disruption of normal protein function through nonsense-mediated decay (NMD) or protein truncation. Multiple pathogenic variants are reported downstream of the variant. The variant has been reported at least twice as pathogenic without evidence for the classification (ClinVar ID: VCV000066382 /PMID: 9554744 /3billion dataset). Therefore, this variant is classified as Pathogenic according to the recommendation of ACMG/AMP guideline.

Department of Molecular Genetics, Istishari Arab Hospital
Classification: Pathogenic for Epidermolysis bullosa simplex 1D, generalized, intermediate or severe, autosomal recessive. Last evaluated: 2025-11-17. Review status: criteria provided, single submitter. Criteria: ACMG Guidelines, 2015. Collection method: clinical testing. Allele origin: germline. Inheritance: Autosomal recessive inheritance. Affected: yes.
Comment: The KRT14 variant c.915G>A p.(Trp305*) creates a premature stop codon in exon(s) no. 4 (of 8). This variant was previously described in patients with Epidermolysis Bullosa (Corden et al., 1998) and (Xiong et al 2014). ClinVar lists this variant (Interpretation: Pathogenic). It is classified as pathogenic based on the implementation of the ACMG/AMP guidelines.

Genomic Medicine Center of Excellence, King Faisal Specialist Hospital and Research Centre
Classification: Pathogenic for Epidermolysis bullosa simplex 1A, generalized severe. Last evaluated: 2024-03-26. Review status: criteria provided, single submitter. Criteria: ACMG Guidelines, 2015. Collection method: clinical testing. Allele origin: germline.

GeneDx
Classification: Pathogenic. Last evaluated: 2015-09-07. Review status: criteria provided, single submitter. Criteria: GeneDx Variant Classification (06012015). Collection method: clinical testing. Allele origin: germline. Affected: yes.
Comment: This variant is predicted to cause loss of normal protein function either through protein truncation or nonsense-mediated mRNA decay. Other studies have also shown that p.W305X may affect splicing of the KRT14 gene (Xiong et al 2014). The p.W305X variant was not observed in approximately 6500 individuals of European and African American ancestry in the NHLBI Exome Sequencing Project, indicating it is not a common benign variant in these populations. Truncating variants in KRT14 and KRT5 have been rarely reported in EBS, usually in affected individuals from consanguineous families. Carriers, such as the parents, are often unaffected or very mildly affected. We interpret p.W305X as a pathogenic variant.

Epithelial Biology;  Institute of Medical Biology, Singapore
No classification provided. Review status: no classification provided. Collection method: not provided. Allele origin: not provided. Not counted in ClinVar's aggregate classification.

Literature cited by the submitters: PubMed 9554744 (cited by 3billion).

NM_000526.5(KRT14):c.915G>A (p.Trp305Ter)

Gene: KRT14 (keratin 14; minus strand). Cytogenetic location: 17q21.2.
Variant type: single nucleotide variant.
Coding change: c.915G>A on transcript NM_000526.5 (MANE Select); coding-DNA position 915, G replaced by A.
Protein change: p.Trp305Ter; replaces tryptophan 305 with a stop codon.
Molecular consequence: nonsense.
Genome position (GRCh38, 1-based): chr17:41,583,772, C>T on the plus strand (G>A on the coding strand, the complement: KRT14 is on the minus strand). VCF-style: chr17-41583772-C-T. GRCh37 (hg19) VCF-style: chr17-39740024-C-T.
Other names: p.(Trp305*); short protein forms W305*.
Identifiers: ClinVar variation 66382 (VCV000066382.4), dbSNP rs60090257, ClinGen allele CA216990.